The following is an entry in ClinVar:

NM_007186.6(CEP250):c.3733C>T (p.Leu1245Phe)

Gene: CEP250 (centrosomal protein 250; plus strand). Cytogenetic location: 20q11.22.
Variant type: single nucleotide variant.
Coding change: c.3733C>T on transcript NM_007186.6 (MANE Select); coding-DNA position 3733, C replaced by T.
Protein change: p.Leu1245Phe; replaces leucine 1245 with phenylalanine.
Molecular consequence: missense variant.
Genome position (GRCh38, 1-based): chr20:35,498,672, C>T. VCF-style: chr20-35498672-C-T. GRCh37 (hg19) VCF-style: chr20-34086501-C-T.
Other names: c.1837C>T, p.Leu613Phe (NM_001318219.1); short protein forms L613F, L1245F.
Identifiers: ClinVar variation 964471 (VCV000964471.9), dbSNP rs2063916855, ClinGen allele CA408745265.

ClinVar aggregate classification (germline): Uncertain significance (1 of 4 stars; one submission).

Allele frequency attached by ClinVar (database versions not stated): gnomAD exomes 0.00001.
gnomAD v4.1: 3 of 1,605,158 alleles (0.00019%); highest among the groups gnomAD compares: Non-Finnish European, 0.00025%; no homozygotes.

Submission:

Labcorp Genetics (formerly Invitae), Labcorp
Classification: Uncertain significance. Last evaluated: 2023-08-10. Review status: criteria provided, single submitter. Criteria: Invitae Variant Classification Sherloc (09022015). Collection method: clinical testing. Allele origin: germline.
Comment: In summary, the available evidence is currently insufficient to determine the role of this variant in disease. Therefore, it has been classified as a Variant of Uncertain Significance. An algorithm developed to predict the effect of missense changes on protein structure and function (PolyPhen-2) suggests that this variant is likely to be disruptive. ClinVar contains an entry for this variant (Variation ID: 964471). This variant has not been reported in the literature in individuals affected with CEP250-related conditions. This variant is not present in population databases (gnomAD no frequency). This sequence change replaces leucine, which is neutral and non-polar, with phenylalanine, which is neutral and non-polar, at codon 1245 of the CEP250 protein (p.Leu1245Phe).